The following is an entry in ClinVar:

NM_003036.4(SKI):c.320G>A (p.Gly107Asp)

Gene: SKI (SKI proto-oncogene; plus strand). Cytogenetic location: 1p36.33.
Variant type: single nucleotide variant.
Coding change: c.320G>A on transcript NM_003036.4 (MANE Select); coding-DNA position 320, G replaced by A.
Protein change: p.Gly107Asp; replaces glycine 107 with aspartic acid.
Molecular consequence: missense variant.
Genome position (GRCh38, 1-based): chr1:2,229,086, G>A. VCF-style: chr1-2229086-G-A. GRCh37 (hg19) VCF-style: chr1-2160525-G-A.
Other names: short protein forms G107D.
Identifiers: ClinVar variation 1728916 (VCV001728916.5), dbSNP rs979256214, ClinGen allele CA16871666.
Genomic context (GRCh38, chr1:2,229,086, plus strand): 5'-CCGGGCCCTTCTTCATGCCGTCCGACCGCTCCACCGAGCGCTGCGAGACCGTACTGGAAG[G>A]CGAGACCATCTCGTGCTTCGTGGTGGGAGGCGAGAAGCGCCTGTGTCTGCCGCAGATTCT-3'
Protein context (NP_003027.1, residues 97-117): STERCETVLE[Gly107Asp]ETISCFVVGG

ClinVar aggregate classification (germline): Uncertain significance. Review status: criteria provided, multiple submitters, no conflicts (2 of 4 stars). 2 submissions from 2 submitters: Uncertain significance (2). Last evaluated 2025-12-19.

Conditions:
Shprintzen-Goldberg syndrome (SGS). Also called: CRANIOSYNOSTOSIS WITH ARACHNODACTYLY AND ABDOMINAL HERNIAS; SHPRINTZEN-GOLDBERG CRANIOSYNOSTOSIS SYNDROME; Marfanoid disorder with craniosynostosis type 1; Marfanoid craniosynostosis syndrome; Shprintzen-Goldberg marfanoid syndrome. Identifiers: Orphanet 2462, MedGen C1321551, MONDO:0008426, OMIM 182212.
Familial thoracic aortic aneurysm and aortic dissection (TAAD). Also called: Thoracic aortic aneurysms and dissections. Identifiers: Orphanet 91387, MedGen C4707243, MONDO:0019625.

Allele frequency attached by ClinVar (database versions not stated): TOPMed 0.00002; gnomAD 0.00001.
gnomAD v4.1: 2 of 1,608,878 alleles (0.00012%); highest among the groups gnomAD compares: African/African-American, 0.0013%; no homozygotes.

Submissions (2):

Labcorp Genetics (formerly Invitae), Labcorp
Classification: Uncertain significance for Shprintzen-Goldberg syndrome. Last evaluated: 2025-12-19. Review status: criteria provided, single submitter. Criteria: Invitae Variant Classification Sherloc (09022015). Collection method: clinical testing. Allele origin: germline.
Comment: This sequence change replaces glycine, which is neutral and non-polar, with aspartic acid, which is acidic and polar, at codon 107 of the SKI protein (p.Gly107Asp). This variant is present in population databases (no rsID available, gnomAD 0.007%). This variant has not been reported in the literature in individuals affected with SKI-related conditions. ClinVar contains an entry for this variant (Variation ID: 1728916). Invitae Evidence Modeling of protein sequence and biophysical properties (such as structural, functional, and spatial information, amino acid conservation, physicochemical variation, residue mobility, and thermodynamic stability) has been performed for this missense variant. However, the output from this modeling did not meet the statistical confidence thresholds required to predict the impact of this variant on SKI protein function. In summary, the available evidence is currently insufficient to determine the role of this variant in disease. Therefore, it has been classified as a Variant of Uncertain Significance.

Ambry Genetics
Classification: Uncertain significance for Familial thoracic aortic aneurysm and aortic dissection. Last evaluated: 2022-09-05. Review status: criteria provided, single submitter. Criteria: Ambry Variant Classification Scheme 2023. Collection method: clinical testing. Allele origin: germline.
Comment: The p.G107D variant (also known as c.320G>A), located in coding exon 1 of the SKI gene, results from a G to A substitution at nucleotide position 320. The glycine at codon 107 is replaced by aspartic acid, an amino acid with similar properties. This amino acid position is conserved. In addition, the in silico prediction for this alteration is inconclusive. Since supporting evidence is limited at this time, the clinical significance of this alteration remains unclear.